The following is an entry in ClinVar:

NM_001165963.4(SCN1A):c.575G>A (p.Trp192Ter)

Gene: SCN1A (sodium voltage-gated channel alpha subunit 1; minus strand). Cytogenetic location: 2q24.3.
Variant type: single nucleotide variant.
Coding change: c.575G>A on transcript NM_001165963.4 (MANE Select); coding-DNA position 575, G replaced by A.
Protein change: p.Trp192Ter; replaces tryptophan 192 with a stop codon.
Molecular consequence: nonsense. On other transcripts: 5 prime UTR variant (1), non-coding transcript variant (1).
Genome position (GRCh38, 1-based): chr2:166,054,665, C>T on the plus strand (G>A on the coding strand, the complement: SCN1A is on the minus strand). VCF-style: chr2-166054665-C-T. GRCh37 (hg19) VCF-style: chr2-166911175-C-T.
Other names: c.575G>A, p.Trp192Ter (NM_001165964.3, NM_001202435.3, NM_001353948.2 and 10 more transcripts); c.-1851G>A (NM_001353961.2); short protein forms W192*.
Identifiers: ClinVar variation 861602 (VCV000861602.2), dbSNP rs1698943949, ClinGen allele CA349075353.
Genomic context (GRCh38, chr2:166,054,665, plus strand): 5'-GTTCTCTCTTAAAGTTTCAAAAAAGGCACTTACGCAAATGTAATGACAGTGAAATCGAGC[C>T]AGTTCCATGGATCCCGAAGGAAAGTAAAATCTTCTAAACAGAATCCCCTTGCAATAATTT-3'

ClinVar aggregate classification (germline): Pathogenic (1 of 4 stars; one submission).

Conditions:
Developmental and epileptic encephalopathy. Identifiers: MedGen C5779964, MONDO:0100620.

Submission:

Labcorp Genetics (formerly Invitae), Labcorp
Classification: Pathogenic for Early infantile epileptic encephalopathy with suppression bursts. Last evaluated: 2019-12-03. Review status: criteria provided, single submitter. Criteria: Invitae Variant Classification Sherloc (09022015). Collection method: clinical testing. Allele origin: germline.
Comment: This sequence change creates a premature translational stop signal (p.Trp192*) in the SCN1A gene. It is expected to result in an absent or disrupted protein product. This variant is not present in population databases (ExAC no frequency). This variant has been observed in individual(s) with Dravet syndrome (PMID: 18930999). In at least one individual the variant was observed to be de novo. Loss-of-function variants in SCN1A are known to be pathogenic (PMID: 17347258, 18930999). For these reasons, this variant has been classified as Pathogenic.

Literature cited by the submitters: PubMed 18930999.